The following is an entry in ClinVar:

NM_001292034.3(TAB2):c.1047C>T (p.Ser349=)

Genes: TAB2 (TGF-beta activated kinase 1 (MAP3K7) binding protein 2; plus strand), LOC126859827 (BRD4-independent group 4 enhancer GRCh37_chr6:149699707-149700906; plus strand). Cytogenetic location: 6q25.1.
Variant type: single nucleotide variant.
Coding change: c.1047C>T on transcript NM_001292034.3 (MANE Select); coding-DNA position 1047, C replaced by T.
Protein change: p.Ser349=; no amino-acid change (serine 349 retained).
Molecular consequence: synonymous variant.
Genome position (GRCh38, 1-based): chr6:149,378,962, C>T. VCF-style: chr6-149378962-C-T. GRCh37 (hg19) VCF-style: chr6-149700098-C-T.
Other names: c.951C>T, p.Ser317= (NM_001292035.3); c.1047C>T, p.Ser349= (NM_001369506.1, NM_015093.6).
Identifiers: ClinVar variation 2499025 (VCV002499025.28), dbSNP rs2483392555, ClinGen allele CA452720245.
Genomic context (GRCh38, chr6:149,378,962, plus strand): 5'-ACTTGAACCCCCACAAAGAAATAATTCTTCAAAACTGCGTTCTTCTGGACCTCGAACCTC[C>T]AGCACTTCCTCTTCAGTCAATAGCCAGACCTTAAACAGAAATCAGCCCACTGTTTACATA-3'
Protein context (NP_001278963.1, residues 339-359): SKLRSSGPRT[Ser349=]STSSSVNSQT

ClinVar aggregate classification (germline): Likely benign (1 of 4 stars; one submission).

Allele frequency attached by ClinVar (database versions not stated): gnomAD exomes 0.00001.
gnomAD v4.1: 3 of 1,614,196 alleles (0.00019%); highest among the groups gnomAD compares: Non-Finnish European, 0.00025%; no homozygotes.

Submission:

CeGaT Center for Human Genetics Tuebingen
Classification: Likely benign. Last evaluated: 2023-02-01. Review status: criteria provided, single submitter. Criteria: CeGaT Center For Human Genetics Tuebingen Variant Classification Criteria Version 2. Collection method: clinical testing. Allele origin: germline. Affected: yes. Observed: 1 variant allele.
Comment: TAB2: PM2:Supporting, BP4, BP7